The following is an entry in ClinVar:

ClinVar aggregate classification (germline): Uncertain significance (1 of 4 stars; one submission).

Allele frequency attached by ClinVar (database versions not stated): gnomAD exomes below 0.00001.
gnomAD v4.1: 1 of 1,610,702 alleles (0.000062%); highest among the groups gnomAD compares: Non-Finnish European, 0.000085%; no homozygotes.

Submission:

GeneDx
Classification: Uncertain significance. Last evaluated: 2022-05-25. Review status: criteria provided, single submitter. Criteria: GeneDx Variant Classification Process June 2021. Collection method: clinical testing. Allele origin: germline. Affected: yes.
Comment: Not observed at significant frequency in large population cohorts (gnomAD); Missense variants in this gene are often considered pathogenic (HGMD); In silico analysis supports that this missense variant has a deleterious effect on protein structure/function; This substitution is predicted to be within the transmembrane segment S3 of the third homologous domain; Has not been previously published as pathogenic or benign to our knowledge

NM_001330260.2(SCN8A):c.3806T>C (p.Phe1269Ser)

Gene: SCN8A (sodium voltage-gated channel alpha subunit 8; plus strand). Cytogenetic location: 12q13.13.
Variant type: single nucleotide variant.
Coding change: c.3806T>C on transcript NM_001330260.2 (MANE Select); coding-DNA position 3806, T replaced by C.
Protein change: p.Phe1269Ser; replaces phenylalanine 1269 with serine.
Molecular consequence: missense variant.
Genome position (GRCh38, 1-based): chr12:51,774,349, T>C. VCF-style: chr12-51774349-T-C. GRCh37 (hg19) VCF-style: chr12-52168133-T-C.
Other names: c.3806T>C, p.Phe1269Ser (NM_001177984.3, NM_001369788.1, NM_014191.4); short protein forms F1269S.
Identifiers: ClinVar variation 1803583 (VCV001803583.1), dbSNP rs2540279391, ClinGen allele CA384899804.